The following is an entry in ClinVar:

ClinVar aggregate classification (germline): Pathogenic (1 of 4 stars; one submission).

Conditions:
Joubert syndrome 1 (JBTS1). Also called: Cerebellooculorenal syndrome 1; CEREBELLOPARENCHYMAL DISORDER IV. Identifiers: MedGen C4551568, MONDO:0008944, OMIM 213300.

Submission:

Victorian Clinical Genetics Services, Murdoch Childrens Research Institute
Classification: Pathogenic for Joubert syndrome 1. Last evaluated: 2020-06-11. Review status: criteria provided, single submitter. Criteria: ACMG Guidelines, 2015. Collection method: clinical testing. Allele origin: germline. Inheritance: Autosomal recessive inheritance.
Comment: Based on the classification scheme VCGS_Germline_v1.3.2, this variant is classified as Pathogenic. Following criteria are met: 0102 - Loss of function is a known mechanism of disease in this gene and is associated with Joubert syndrome 1 (PMID: 29052317). (I) 0106 - This gene is associated with autosomal recessive disease. (I) 0201 - Variant is predicted to cause nonsense-mediated decay (NMD) and loss of protein (premature termination codon is located at least 54 nucleotides upstream of the final exon-exon junction). (SP) 0251 - This variant is heterozygous. (I) 0304 - Variant is present in gnomAD v2 <0.01 for a recessive condition (1 heterozygote, 0 homozygotes). (SP) 0702 – Other NMD-predicted variants comparable to the one identified in this case have strong previous evidence for pathogenicity. These variants have been reported in patients with Joubert-related disorders (ClinVar, PMID: 23386033, PMID: 23034536). (SP) 0809 - Previous evidence of pathogenicity for this variant is inconclusive. This variant was observed in a cohort of obese patients with neuropsychiatric disease, but no further information was provided (PMID: 31506345). (I) 0905 - No published segregation evidence has been identified for this variant. (I) 1007 - No published functional evidence has been identified for this variant. (I) 1102 - Strong phenotype match for this individual. (SP) 1208 - Inheritance information for this variant is not currently available in this individual. (I) Legend: (SP) - Supporting pathogenic, (I) - Information, (SB) - Supporting benign

Literature cited by the submitters: PubMed 23034536; PubMed 23386033; PubMed 29052317; PubMed 31506345.

NM_019892.6(INPP5E):c.226dup (p.Ala76fs)

Gene: INPP5E (inositol polyphosphate-5-phosphatase E; minus strand). Cytogenetic location: 9q34.3.
Variant type: Duplication.
Coding change: c.226dup on transcript NM_019892.6 (MANE Select); coding-DNA position 226, one base duplicated (G; older notation c.226dupG).
Protein change: p.Ala76fs; shifts the reading frame from alanine 76.
Molecular consequence: frameshift variant.
Genome position (GRCh38, 1-based): chr9:136,439,194, C duplicated on the plus strand (G on the coding strand, the reverse complement: INPP5E is on the minus strand). VCF-style (leftmost placement, unchanged base first): chr9-136439193-G-GC. GRCh37 (hg19) VCF-style: chr9-139333645-G-GC.
Other names: c.226dup, p.Ala76fs (NM_001318502.2); short protein forms A76fs.
Identifiers: ClinVar variation 1805447 (VCV001805447.1), dbSNP rs1359373777, ClinGen allele CA591366393.